The following is an entry in ClinVar:

NM_001350162.2(TEX15):c.7244A>G (p.Asn2415Ser)

Gene: TEX15 (testis expressed 15, meiosis and synapsis associated; minus strand). Cytogenetic location: 8p12.
Variant type: single nucleotide variant.
Coding change: c.7244A>G on transcript NM_001350162.2 (MANE Select); coding-DNA position 7244, A replaced by G.
Protein change: p.Asn2415Ser; replaces asparagine 2415 with serine.
Molecular consequence: missense variant.
Genome position (GRCh38, 1-based): chr8:30,842,923, T>C on the plus strand (A>G on the coding strand, the complement: TEX15 is on the minus strand). VCF-style: chr8-30842923-T-C. GRCh37 (hg19) VCF-style: chr8-30700439-T-C.
Other names: c.6095A>G (NM_031271.3); short protein forms N2415S.
Identifiers: ClinVar variation 733695 (VCV000733695.5), dbSNP rs138454854, ClinGen allele CA4702545.

ClinVar aggregate classification (germline): Likely benign. Review status: criteria provided, single submitter (1 of 4 stars). 2 submissions from 2 submitters: Likely benign (1). 1 of the submissions does not count toward it. Last evaluated 2018-06-18.

Conditions:
TEX15-related disorder. Also called: TEX15-related condition.

Allele frequency attached by ClinVar (database versions not stated): gnomAD exomes 0.00022 and 0.00059; ExAC 0.00070; 1000 Genomes Project 0.00160; 1000 Genomes Project 30x 0.00187; ESP Exome Variant Server 0.00233; gnomAD 0.00238 and 0.00257; TOPMed 0.00287.

Submissions (2):

Labcorp Genetics (formerly Invitae), Labcorp
Classification: Likely benign. Last evaluated: 2018-06-18. Review status: criteria provided, single submitter. Criteria: Invitae Variant Classification Sherloc (09022015). Collection method: clinical testing. Allele origin: germline.

PreventionGenetics, part of Exact Sciences
Classification: Likely benign for TEX15-related condition. Last evaluated: 2019-05-02. Review status: no assertion criteria provided. Collection method: clinical testing. Allele origin: germline. Not counted in ClinVar's aggregate classification.
Comment: This variant is classified as likely benign based on ACMG/AMP sequence variant interpretation guidelines (Richards et al. 2015 PMID: 25741868, with internal and published modifications).